The following is an entry in ClinVar:

ClinVar aggregate classification (germline): Pathogenic (1 of 4 stars; one submission).

Conditions:
Hereditary cancer-predisposing syndrome. Also called: Tumor predisposition; Neoplastic Syndromes, Hereditary; Hereditary Cancer Syndrome; Hereditary neoplastic syndrome. Identifiers: Orphanet 140162, MedGen C0027672, MeSH D009386, MONDO:0015356.

Submission:

Ambry Genetics
Classification: Pathogenic for Hereditary cancer-predisposing syndrome. Last evaluated: 2024-11-27. Review status: criteria provided, single submitter. Criteria: Ambry Variant Classification Scheme 2023. Collection method: clinical testing. Allele origin: germline.
Comment: The c.7517delA pathogenic mutation, located in coding exon 14 of the BRCA2 gene, results from a deletion of one nucleotide at nucleotide position 7517, causing a translational frameshift with a predicted alternate stop codon (p.Q2506Rfs*18). This variant is considered to be rare based on population cohorts in the Genome Aggregation Database (gnomAD). This alteration is expected to result in loss of function by premature protein truncation or nonsense-mediated mRNA decay. As such, this alteration is interpreted as a disease-causing mutation.

NM_000059.4(BRCA2):c.7517del (p.Gln2506fs)

Gene: BRCA2 (BRCA2 DNA repair associated; plus strand). Cytogenetic location: 13q13.1.
Variant type: Deletion.
Coding change: c.7517del on transcript NM_000059.4 (MANE Select); coding-DNA position 7517, one base deleted (A; older notation c.7517delA).
Protein change: p.Gln2506fs; shifts the reading frame from glutamine 2506.
Molecular consequence: frameshift variant. On other transcripts: non-coding transcript variant (1).
Genome position (GRCh38, 1-based): chr13:32,356,509, A deleted. VCF-style (leftmost placement, unchanged base first): chr13-32356508-CA-C. GRCh37 (hg19) VCF-style: chr13-32930645-CA-C.
Other names: c.7421del, p.Gln2474fs (NM_001406719.1); c.7517del, p.Gln2506fs (NM_001406720.1, NM_001432077.1); c.2585del, p.Gln862fs (NM_001406721.1); c.1100del, p.Gln367fs (NM_001406722.1); short protein forms Q2474fs, Q2506fs, Q862fs, Q367fs.
Identifiers: ClinVar variation 3482182 (VCV003482182.1).